The following is an entry in ClinVar:

NM_001347721.2(DYRK1A):c.1158T>G (p.Phe386Leu)

Gene: DYRK1A (dual specificity tyrosine phosphorylation regulated kinase 1A; plus strand). Cytogenetic location: 21q22.13.
Variant type: single nucleotide variant.
Coding change: c.1158T>G on transcript NM_001347721.2 (MANE Select); coding-DNA position 1158, T replaced by G.
Protein change: p.Phe386Leu; replaces phenylalanine 386 with leucine.
Molecular consequence: missense variant.
Genome position (GRCh38, 1-based): chr21:37,496,204, T>G. VCF-style: chr21-37496204-T-G. GRCh37 (hg19) VCF-style: chr21-38868506-T-G.
Other names: c.1158T>G, p.Phe386Leu (NM_001347722.2, NM_130436.2); c.1071T>G, p.Phe357Leu (NM_001347723.2); c.1185T>G, p.Phe395Leu (NM_001396.5, NM_101395.2, NM_130438.2); short protein forms F357L, F386L, F395L.
Identifiers: ClinVar variation 916062 (VCV000916062.7), dbSNP rs2053264281, ClinGen allele CA409937043.
Genomic context (GRCh38, chr21:37,496,204, plus strand): 5'-AGTTCTGGGTATTCCACCTGCTCATATTCTTGACCAAGCACCAAAAGCAAGAAAGTTCTT[T>G]GAGAAGTTGCCAGATGGCACTTGGAACTTAAAGAAGACCAAAGATGGAAAACGGGTAAAA-3'
Protein context (NP_001334650.1, residues 376-396): LDQAPKARKF[Phe386Leu]EKLPDGTWNL

ClinVar aggregate classification (germline): Conflicting classifications of pathogenicity. Review status: criteria provided, conflicting classifications (1 of 4 stars). 3 submissions from 3 submitters: Uncertain significance (2); Likely benign (1). Last evaluated 2025-04-08.

Conditions:
DYRK1A-related intellectual disability syndrome (MRD7). Also called: Intellectual developmental disorder, autosomal dominant 7; DYRK1A Syndrome. Identifiers: Orphanet 464306, MedGen C5568143, MONDO:0013578, OMIM 614104.

gnomAD v4.1: 1 of 1,614,110 alleles (0.000062%); highest among the groups gnomAD compares: Non-Finnish European, 0.000085%; no homozygotes.

Submissions (3):

GeneDx
Classification: Uncertain significance. Last evaluated: 2025-04-08. Review status: criteria provided, single submitter. Criteria: GeneDx Variant Classification Process June 2021. Collection method: clinical testing. Allele origin: germline. Affected: yes.
Comment: In silico analysis supports that this missense variant has a deleterious effect on protein structure/function; Has not been previously published as pathogenic or benign to our knowledge

Labcorp Genetics (formerly Invitae), Labcorp
Classification: Likely benign for DYRK1A-related intellectual disability syndrome. Last evaluated: 2025-03-01. Review status: criteria provided, single submitter. Criteria: Invitae Variant Classification Sherloc (09022015). Collection method: clinical testing. Allele origin: germline.

Laboratory of Molecular Genetics (Pr. Bezieau's lab), CHU de Nantes
Classification: Uncertain significance. Last evaluated: 2020-02-14. Review status: criteria provided, single submitter. Criteria: ACMG Guidelines, 2015. Collection method: clinical testing. Allele origin: germline. Affected: yes.